The following is an entry in ClinVar:

NM_000426.4(LAMA2):c.595T>A (p.Cys199Ser)

Gene: LAMA2 (laminin subunit alpha 2; plus strand). Cytogenetic location: 6q22.33.
Variant type: single nucleotide variant.
Coding change: c.595T>A on transcript NM_000426.4 (MANE Select); coding-DNA position 595, T replaced by A.
Protein change: p.Cys199Ser; replaces cysteine 199 with serine.
Molecular consequence: missense variant.
Genome position (GRCh38, 1-based): chr6:129,098,371, T>A. VCF-style: chr6-129098371-T-A. GRCh37 (hg19) VCF-style: chr6-129419516-T-A.
Other names: c.595T>A, p.Cys199Ser (NM_001079823.2); short protein forms C199S.
Identifiers: ClinVar variation 287678 (VCV000287678.17), dbSNP rs886043693, ClinGen allele CA10605832.
Genomic context (GRCh38, chr6:129,098,371, plus strand): 5'-CTTTACAATATTTATCCCCGCACTGGGCCACCGTCATATGCCAAAGATGATGAGGTCATC[T>A]GCACTTCATTTTACTCCAAGATACACCCCTTAGAAAATGGAGAGGTAAGATGAGAAAACT-3'
Protein context (NP_000417.3, residues 189-209): PSYAKDDEVI[Cys199Ser]TSFYSKIHPL

ClinVar aggregate classification (germline): Uncertain significance. Review status: criteria provided, multiple submitters, no conflicts (2 of 4 stars). 5 submissions from 5 submitters: Uncertain significance (4). 1 of the submissions does not count toward it. Last evaluated 2024-04-15.

Conditions:
LAMA2-related muscular dystrophy (LAMA2-RD). Also called: Laminin alpha 2-related dystrophy. Identifiers: MedGen C5679788, MONDO:0100228.
Merosin deficient congenital muscular dystrophy (MDC1A). Also called: Congenital merosin-deficient muscular dystrophy 1A; Congenital Muscular Dystrophy Type 1A (MDC1A). Identifiers: Orphanet 258, MedGen C1263858, MONDO:0011925, OMIM 607855.
Congenital muscular dystrophy due to partial LAMA2 deficiency. Identifiers: MedGen C1842898.

Allele frequency attached by ClinVar (database versions not stated): gnomAD exomes below 0.00001 and 0.00001; TOPMed below 0.00001.
gnomAD v4.1: 8 of 1,614,056 alleles (0.0005%); highest among the groups gnomAD compares: Non-Finnish European, 0.00059%; no homozygotes.

Submissions (5):

Labcorp Genetics (formerly Invitae), Labcorp
Classification: Uncertain significance for LAMA2-related muscular dystrophy. Last evaluated: 2024-04-15. Review status: criteria provided, single submitter. Criteria: Invitae Variant Classification Sherloc (09022015). Collection method: clinical testing. Allele origin: germline.
Comment: This sequence change replaces cysteine, which is neutral and slightly polar, with serine, which is neutral and polar, at codon 199 of the LAMA2 protein (p.Cys199Ser). This variant is present in population databases (no rsID available, gnomAD 0.0009%). This missense change has been observed in individual(s) with limb-girdle muscular dystrophy (PMID: 24957499). In at least one individual the data is consistent with being in trans (on the opposite chromosome) from a pathogenic variant. ClinVar contains an entry for this variant (Variation ID: 287678). Advanced modeling of protein sequence and biophysical properties (such as structural, functional, and spatial information, amino acid conservation, physicochemical variation, residue mobility, and thermodynamic stability) has been performed at Invitae for this missense variant, however the output from this modeling did not meet the statistical confidence thresholds required to predict the impact of this variant on LAMA2 protein function. In summary, the available evidence is currently insufficient to determine the role of this variant in disease. Therefore, it has been classified as a Variant of Uncertain Significance.

Women's Health and Genetics/Laboratory Corporation of America, LabCorp
Classification: Uncertain significance. Last evaluated: 2023-12-12. Review status: criteria provided, single submitter. Criteria: LabCorp Variant Classification Summary - May 2015. Collection method: clinical testing. Allele origin: germline.
Comment: Variant summary: LAMA2 c.595T>A (p.Cys199Ser) results in a non-conservative amino acid change located in the Laminin, N-terminal domain (IPR008211) of the encoded protein sequence. Five of five in-silico tools predict a damaging effect of the variant on protein function. The variant allele was found at a frequency of 4e-06 in 251416 control chromosomes. The available data on variant occurrences in the general population are insufficient to allow any conclusion about variant significance. c.595T>A has been reported in the literature in the compound heterozygous state in at least one individual affected with Laminin Alpha 2-Related Dystrophy (e.g. Chan_2014, Sframeli_2017). These data do not allow any conclusion about variant significance. To our knowledge, no experimental evidence demonstrating an impact on protein function has been reported. The following publications have been ascertained in the context of this evaluation (PMID: 24957499, 28688748). Four submitters have cited clinical-significance assessments for this variant to ClinVar after 2014. All submitters classified the variant as uncertain significance. Based on the evidence outlined above, the variant was classified as uncertain significance.

Illumina Laboratory Services, Illumina
Classification: Uncertain significance for Congenital muscular dystrophy due to partial LAMA2 deficiency. Last evaluated: 2017-04-27. Review status: criteria provided, single submitter. Criteria: ICSL Variant Classification Criteria 13 December 2019. Collection method: clinical testing. Allele origin: germline.
Comment: This variant was observed as part of a predisposition screen in an ostensibly healthy population. A literature search was performed for the gene, cDNA change, and amino acid change (where applicable). Publications were found based on this search. However, the evidence from the literature, in combination with allele frequency data from public databases where available, was not sufficient to rule this variant in or out of causing disease. Therefore, this variant is classified as a variant of unknown significance.

Eurofins Ntd Llc (ga)
Classification: Uncertain significance. Last evaluated: 2016-06-09. Review status: criteria provided, single submitter. Criteria: EGL Classification Definitions 2015. Collection method: clinical testing. Allele origin: germline. Observed: 1 variant allele, 1 heterozygote.

Counsyl
Classification: Uncertain significance for Merosin deficient congenital muscular dystrophy. Last evaluated: 2018-01-24. Review status: no assertion criteria provided. Collection method: clinical testing. Allele origin: unknown. Not counted in ClinVar's aggregate classification.

Literature cited by the submitters: PubMed 24957499 (cited by 4 submitters); PubMed 28688748 (cited by Women's Health and Genetics/Laboratory Corporation of America, LabCorp).